The following is an entry in ClinVar:

ClinVar aggregate classification (germline): Likely benign. Review status: criteria provided, multiple submitters, no conflicts (2 of 4 stars). 2 submissions from 2 submitters: Likely benign (2). Last evaluated 2026-01-01.

Conditions:
Dystonic disorder. Also called: Dystonia. Identifiers: MedGen C0013421, MONDO:0003441, HP:0001332.

Allele frequency attached by ClinVar (database versions not stated): gnomAD exomes below 0.00001.
gnomAD v4.1: 1 of 1,495,328 alleles (0.000067%); no homozygotes.

Submissions (2):

CeGaT Center for Human Genetics Tuebingen
Classification: Likely benign. Last evaluated: 2026-01-01. Review status: criteria provided, single submitter. Criteria: CeGaT Center For Human Genetics Tuebingen Variant Classification Criteria Version 2. Collection method: clinical testing. Allele origin: germline. Affected: yes. Observed: 1 variant allele.
Comment: SPR: BP4, BP7

Labcorp Genetics (formerly Invitae), Labcorp
Classification: Likely benign for Dystonic disorder. Last evaluated: 2023-11-21. Review status: criteria provided, single submitter. Criteria: Invitae Variant Classification Sherloc (09022015). Collection method: clinical testing. Allele origin: germline.

NM_003124.5(SPR):c.9C>T (p.Gly3=)

Genes: SPR (sepiapterin reductase; plus strand), LOC129934069 (ATAC-STARR-seq lymphoblastoid silent region 11626; plus strand). Cytogenetic location: 2p13.2.
Variant type: single nucleotide variant.
Coding change: c.9C>T on transcript NM_003124.5 (MANE Select); coding-DNA position 9, C replaced by T.
Protein change: p.Gly3=; no amino-acid change (glycine 3 retained).
Molecular consequence: synonymous variant.
Genome position (GRCh38, 1-based): chr2:72,887,441, C>T. VCF-style: chr2-72887441-C-T. GRCh37 (hg19) VCF-style: chr2-73114570-C-T.
Identifiers: ClinVar variation 2918800 (VCV002918800.7), dbSNP rs1300839149, ClinGen allele CA426703100.